The following is an entry in ClinVar:

ClinVar aggregate classification (germline): Conflicting classifications of pathogenicity. Review status: criteria provided, conflicting classifications (1 of 4 stars). 11 submissions from 11 submitters: Pathogenic (3); Likely pathogenic (5); Uncertain significance (1). 2 of the submissions do not count toward it. Last evaluated 2025-12-26.

Conditions:
CFTR-related disorder (CFTR-RD). Also called: CFTR-related condition; CFTR-related disorders. Identifiers: MedGen C5924204, MONDO:7770004.
Hereditary pancreatitis (PCTT). Also called: Hereditary chronic pancreatitis; PRSS1-Related Hereditary Pancreatitis. Identifiers: Orphanet 676, MedGen C0238339, MONDO:0008185, OMIM 167800.
Congenital bilateral aplasia of vas deferens from CFTR mutation (CBAVD). Identifiers: Orphanet 48, MedGen C0403814, MONDO:0010178, OMIM 277180. Disease mechanism: loss of function.
Bronchiectasis with or without elevated sweat chloride 1 (BESC1). Also called: Cystic Fibrosis-Like Syndrome. Identifiers: Orphanet 60033, MedGen C2749757, MONDO:0008887, OMIM 211400.
Cystic fibrosis (CF). Also called: MUCOVISCIDOSIS. Identifiers: Orphanet 586, MedGen C0010674, MONDO:0009061, OMIM 219700. Disease mechanism: loss of function.

Allele frequency attached by ClinVar (database versions not stated): gnomAD exomes 0.00001; ExAC 0.00002; TOPMed 0.00002; gnomAD 0.00003.
gnomAD v4.1: 18 of 1,593,778 alleles (0.0011%); highest among the groups gnomAD compares: Admixed American, 0.0033%; no homozygotes.

Submissions (11):

Natera, Inc.
Classification: Likely pathogenic for CFTR-related disorders. Last evaluated: 2025-12-26. Review status: criteria provided, single submitter. Criteria: Natera Variant Classification Schema (03/2026). Collection method: clinical testing. Allele origin: germline.
Comment: The c.2939T>A variant in CFTR is a missense variant predicted to cause substitution of isoleucine to lysine at amino acid 980. This variant is rare in the general population with a frequency below the threshold expected for the associated phenotype(s). This variant has been observed in one or more individuals affected with the associated recessive disease, as either homozygous or compound heterozygous with a second variant (PMID: 8947061). Functional studies show that this variant may disrupt protein function (PMID: 38388235). Computational prediction algorithms indicate this variant is likely to affect gene or protein function. Given the available evidence, this variant is classified as Likely Pathogenic.

PreventionGenetics, part of Exact Sciences
Classification: Likely pathogenic for CFTR-related condition. Last evaluated: 2024-11-01. Review status: criteria provided, single submitter. Criteria: ACMG Guidelines, 2015. Collection method: clinical testing. Allele origin: germline.
Comment: The CFTR c.2939T>A variant is predicted to result in the amino acid substitution p.Ile980Lys. This variant, along with a second pathogenic CFTR variant, has been reported in multiple individuals with congenital absence of the vas deferens (CBAVD), two individuals with bronchiectasis, and in at least one individual with cystic fibrosis (Bienvenu et al. 1996. PubMed ID: 8829643; Hubert et al. 1996. PubMed ID: 8947061; Jézéquel et al. 2000. PubMed ID: 11101688; Steiner et al. 2011. PubMed ID: 21520337). This variant has also been reported in an individual with congenital absence of the vas deferens (CBAVD) although it is unclear if a second CFTR variant was present, and in the compound heterozygous state with a complex allele of uncertain significance in an apparently asymptomatic individual (Claustres et al. 2000. PubMed ID: 10923036; Claustres et al. 2017. PubMed ID: 28603918). An in vitro functional study suggests this variant results in mean baseline function ~13% of control CFTR and has a quantifiable response to treatment with a CFTR modulator combination (Bihler et al. 2024. PubMed ID: 38388235). This variant is reported in 0.0029% of alleles in individuals of Latino descent in gnomAD. Taken together, we interpret this variant as likely pathogenic.

Women's Health and Genetics/Laboratory Corporation of America, LabCorp
Classification: Pathogenic for Congenital bilateral aplasia of vas deferens from CFTR mutation. Last evaluated: 2024-08-02. Review status: criteria provided, single submitter. Criteria: LabCorp Variant Classification Summary - May 2015. Collection method: clinical testing. Allele origin: germline.
Comment: Variant summary: CFTR c.2939T>A (p.Ile980Lys) results in a non-conservative amino acid change located in the ABC transporter type 1, transmembrane domain (IPR011527) of the encoded protein sequence. Four of five in-silico tools predict a damaging effect of the variant on protein function. The variant allele was found at a frequency of 7.9e-06 in 251838 control chromosomes. c.2939T>A has been reported in the literature in the presumed compound heterozygous or compound heterozygous state in multiple individuals affected with clinical features of Congenital Bilateral Absence Of The Vas Deferens and/or Cystic Fibrosis and/or CFTR-related disorders (example, Bienvenu_1997, Claustres_2000, Hubert_1996, Jezequel_2000, Steiner_2011). These data indicate that the variant is very likely to be associated with disease. At least one publication reports experimental evidence evaluating an impact on protein function. The most pronounced variant effect resulted in approximately 13.43% of normal chloride channel conductance relative to wild type (e.g., Bihler_2024). The following publications have been ascertained in the context of this evaluation (PMID: 8829643, 10923036, 20059485, 9272157, 8947061, 11101688, 21520337, 38388235). ClinVar contains an entry for this variant (Variation ID: 53604). Based on the evidence outlined above, the variant was classified as pathogenic.

Fulgent Genetics
Classification: Likely pathogenic for Hereditary pancreatitis; Bronchiectasis with or without elevated sweat chloride 1; Cystic fibrosis; Congenital bilateral aplasia of vas deferens from CFTR mutation. Last evaluated: 2024-05-15. Review status: criteria provided, single submitter. Criteria: ACMG Guidelines, 2015. Collection method: clinical testing. Allele origin: germline.

Labcorp Genetics (formerly Invitae), Labcorp
Classification: Pathogenic for Cystic fibrosis. Last evaluated: 2024-02-02. Review status: criteria provided, single submitter. Criteria: Invitae Variant Classification Sherloc (09022015). Collection method: clinical testing. Allele origin: germline.
Comment: This sequence change replaces isoleucine, which is neutral and non-polar, with lysine, which is basic and polar, at codon 980 of the CFTR protein (p.Ile980Lys). This variant is present in population databases (rs397508463, gnomAD 0.003%). This missense change has been observed in individual(s) with congenital absence of the vas deferens and/or cystic fibrosis (PMID: 8829643, 8947061, 11101688, 21520337). ClinVar contains an entry for this variant (Variation ID: 53604). Advanced modeling of protein sequence and biophysical properties (such as structural, functional, and spatial information, amino acid conservation, physicochemical variation, residue mobility, and thermodynamic stability) performed at Invitae indicates that this missense variant is expected to disrupt CFTR protein function with a positive predictive value of 80%. For these reasons, this variant has been classified as Pathogenic.

Ambry Genetics
Classification: Likely pathogenic for Cystic fibrosis. Last evaluated: 2023-10-27. Review status: criteria provided, single submitter. Criteria: Ambry Variant Classification Scheme 2023. Collection method: clinical testing. Allele origin: germline.
Comment: The p.I980K variant (also known as c.2939T>A), located in coding exon 18 of the CFTR gene, results from a T to A substitution at nucleotide position 2939. The isoleucine at codon 980 is replaced by lysine, an amino acid with dissimilar properties. This variant was reported in two individuals, who also had another pathogenic mutation, with congenital bilateral absence of the vas deferens (CBAVD). One individual also had an elevated sweat chloride concentration and presented with chronic sinusitis, nasal polyposis and pancreatic sufficiency (Bienvenu et al. Hum Mutat. 1996;7:182). In another study, this variant was seen in two patients in a cohort of 305 with CBAVD, of which one individual also had p.R117H and the other individual had c.3605delA, however further clinical information was not provided (Steiner et al. Hum Mutat. 2011;32:912-20). In a group of 110 patients who were diagnosed with cystic fibrosis by two abnormal sweat chloride levels and/or two CFTR mutations, one was reported with this variant (Hubert et al. Eur. Respir. J. 1996;9(11):2207-14). This variant is considered to be rare based on population cohorts in the Genome Aggregation Database (gnomAD). This amino acid position is not well conserved in available vertebrate species. In addition, this alteration is predicted to be deleterious by in silico analysis. Based on the majority of available evidence to date, this variant is likely to be pathogenic.

Revvity Omics, Revvity
Classification: Likely pathogenic. Last evaluated: 2021-11-19. Review status: criteria provided, single submitter. Criteria: ACMG Guidelines, 2015. Collection method: clinical testing. Allele origin: germline.

ARUP Laboratories, Molecular Genetics and Genomics, ARUP Laboratories
Classification: Uncertain significance. Last evaluated: 2019-04-17. Review status: criteria provided, single submitter. Criteria: ARUP Molecular Germline Variant Investigation Process. Collection method: clinical testing. Allele origin: germline.
Comment: The CFTR c.2939T>A; p.Ile980Lys variant (rs397508463) is reported in the literature in multiple individuals affected with congenital absence of the vas deferens (CBAVD) or cystic fibrosis (CF) (Bienvenu 1996, Hubert 1996, Jezequel 2000, Steiner 2011). In all affected individuals carrying this variant, a second pathogenic variant was also identified (Bienvenu 1996, Hubert 1996, Jezequel 2000, Steiner 2011). The p.Ile980Lys variant is present on only two chromosomes (2/251150 alleles) in the Genome Aggregation Database, indicating it is not a common polymorphism. The isoleucine at codon 980 is moderately conserved, but computational analyses (SIFT: damaging, PolyPhen-2: benign) predict conflicting effects of this variant on protein structure/function. Despite its prevalence in affected individuals, due to limited information, the significance of the p.Ile980Lys variant is uncertain at this time. References: Bienvenu T et al. A novel missense mutation in exon 16 of the cystic fibrosis transmembrane conductance regulator (CFTR) gene identified in CBAVD patients. Hum Mutat. 1996;7(2):182. Hubert D et al. Genotype-phenotype relationships in a cohort of adult cystic fibrosis patients. Eur Respir J. 1996 Nov;9(11):2207-14. Jezequel P et al. Molecular screening of the CFTR gene in men with anomalies of the vas deferens: identification of three novel mutations. Mol Hum Reprod. 2000 Dec;6(12):1063-7. Steiner B et al. Common CFTR haplotypes and susceptibility to chronic pancreatitis and congenital bilateral absence of the vas deferens. Hum Mutat. 2011 Aug;32(8):912-20.

CFTR-France
Classification: Pathogenic for CFTR-related disorders. Last evaluated: 2018-01-29. Review status: criteria provided, single submitter. Criteria: Claustres M et al. (Hum Mutat 2017). Collection method: curation. Allele origin: germline. Affected: yes.

Counsyl
Classification: Uncertain significance for Cystic fibrosis. Last evaluated: 2017-12-14. Review status: no assertion criteria provided. Collection method: clinical testing. Allele origin: unknown. Not counted in ClinVar's aggregate classification.

ClinVar Staff, National Center for Biotechnology Information (NCBI)
No classification provided. Condition: CFTR-related disorders. Review status: no classification provided. Collection method: literature only. Allele origin: germline. Affected: yes. Not counted in ClinVar's aggregate classification.

Literature cited by the submitters: PubMed 8947061 (cited by 4 submitters); PubMed 38388235 (cited by Natera, Inc. and Women's Health and Genetics/Laboratory Corporation of America, LabCorp); PubMed 9272157 (cited by Women's Health and Genetics/Laboratory Corporation of America, LabCorp); PubMed 10923036 (cited by Women's Health and Genetics/Laboratory Corporation of America, LabCorp); PubMed 20059485 (cited by Women's Health and Genetics/Laboratory Corporation of America, LabCorp and ClinVar Staff, National Center for Biotechnology Information (NCBI)); PubMed 21520337 (cited by Women's Health and Genetics/Laboratory Corporation of America, LabCorp and Labcorp Genetics (formerly Invitae), Labcorp); PubMed 11101688 (cited by Women's Health and Genetics/Laboratory Corporation of America, LabCorp and Labcorp Genetics (formerly Invitae), Labcorp); PubMed 8829643 (cited by 4 submitters).

NM_000492.4(CFTR):c.2939T>A (p.Ile980Lys)

Genes: CFTR (CF transmembrane conductance regulator; plus strand), CFTR-AS2 (CFTR antisense RNA 2; minus strand). Cytogenetic location: 7q31.2.
Variant type: single nucleotide variant.
Coding change: c.2939T>A on transcript NM_000492.4 (MANE Select); coding-DNA position 2939, T replaced by A.
Protein change: p.Ile980Lys; replaces isoleucine 980 with lysine.
Molecular consequence: missense variant.
Genome position (GRCh38, 1-based): chr7:117,606,704, T>A. VCF-style: chr7-117606704-T-A. GRCh37 (hg19) VCF-style: chr7-117246758-T-A.
Other names: short protein forms I980K.
Identifiers: ClinVar variation 53604 (VCV000053604.30), dbSNP rs397508463, ClinGen allele CA326981.
Genomic context (GRCh38, chr7:117,606,704, plus strand): 5'-TTGAGGAATTTGTCATCTTGTATATTATAGGTGGGATTCTTAATAGATTCTCCAAAGATA[T>A]AGCAATTTTGGATGACCTTCTGCCTCTTACCATATTTGACTTCATCCAGGTATGTAAAAA-3'
Protein context (NP_000483.3, residues 970-990): GGILNRFSKD[Ile980Lys]AILDDLLPLT